The following is an entry in ClinVar:

NM_001036.6(RYR3):c.13629A>G (p.Pro4543=)

Genes: AVEN (apoptosis and caspase activation inhibitor; minus strand), RYR3 (ryanodine receptor 3; plus strand), LOC126862094 (CDK7 strongly-dependent group 2 enhancer GRCh37_chr15:34145183-34146382; plus strand). Cytogenetic location: 15q14.
Variant type: single nucleotide variant.
Coding change: c.13629A>G on transcript NM_001036.6 (MANE Select); coding-DNA position 13629, A replaced by G.
Protein change: p.Pro4543=; no amino-acid change (proline 4543 retained).
Molecular consequence: synonymous variant.
Genome position (GRCh38, 1-based): chr15:33,853,045, A>G. VCF-style: chr15-33853045-A-G. GRCh37 (hg19) VCF-style: chr15-34145246-A-G.
Other names: c.13614A>G, p.Pro4538= (NM_001243996.4).
Identifiers: ClinVar variation 1063013 (VCV001063013.9), dbSNP rs762478512, ClinGen allele CA7461708.
Genomic context (GRCh38, chr15:33,853,045, plus strand): 5'-TTGATGTGTTTTCCTTGATGTTAAGAATGAAGAACCAACCTTTTTCGTTTTGTTTTTCAG[A>G]TCTTTTCCTAATAACTACTGGGACAAGTTTGTAAAGAGAAAGGTATGCCTTGTTAGTGGG-3'
Protein context (NP_001027.3, residues 4533-4553): GQWDRLVINT[Pro4543=]SFPNNYWDKF

ClinVar aggregate classification (germline): Uncertain significance (1 of 4 stars; one submission).

Conditions:
Epileptic encephalopathy. Identifiers: MedGen C0543888, HP:0200134.

gnomAD v4.1: 11 of 1,606,412 alleles (0.00068%); highest among the groups gnomAD compares: South Asian, 0.012%; no homozygotes.

Submission:

Labcorp Genetics (formerly Invitae), Labcorp
Classification: Uncertain significance for Epileptic encephalopathy. Last evaluated: 2021-01-15. Review status: criteria provided, single submitter. Criteria: Invitae Variant Classification Sherloc (09022015). Collection method: clinical testing. Allele origin: germline.
Comment: This variant is present in population databases (rs762478512, ExAC 0.02%). This sequence change affects codon 4543 of the RYR3 mRNA. It is a 'silent' change, meaning that it does not change the encoded amino acid sequence of the RYR3 protein. This variant has not been reported in the literature in individuals with RYR3-related conditions. Algorithms developed to predict the effect of sequence changes on RNA splicing suggest that this variant may create or strengthen a splice site, but this prediction has not been confirmed by published transcriptional studies. In summary, the available evidence is currently insufficient to determine the role of this variant in disease. Therefore, it has been classified as a Variant of Uncertain Significance.